The following is an entry in ClinVar:

ClinVar aggregate classification (germline): Uncertain significance. Review status: criteria provided, multiple submitters, no conflicts (2 of 4 stars). 2 submissions from 2 submitters: Uncertain significance (2). Last evaluated 2024-03-08.

Conditions:
Upshaw-Schulman syndrome (TTP). Also called: Congenital thrombotic thrombocytopenic purpura; THROMBOTIC THROMBOCYTOPENIC PURPURA, HEREDITARY. Identifiers: Orphanet 93583, MedGen C1268935, MONDO:0010122, OMIM 274150.

Allele frequency attached by ClinVar (database versions not stated): gnomAD exomes 0.00001.
gnomAD v4.1: 7 of 1,613,928 alleles (0.00043%); highest among the groups gnomAD compares: Middle Eastern, 0.016%; no homozygotes.

Submissions (2):

Fulgent Genetics
Classification: Uncertain significance for Upshaw-Schulman syndrome. Last evaluated: 2024-03-08. Review status: criteria provided, single submitter. Criteria: ACMG Guidelines, 2015. Collection method: clinical testing. Allele origin: germline.

GeneDx
Classification: Uncertain significance. Last evaluated: 2019-04-18. Review status: criteria provided, single submitter. Criteria: GeneDx Variant Classification Process June 2021. Collection method: clinical testing. Allele origin: germline. Affected: yes.
Comment: Has not been previously published as pathogenic or benign to our knowledge; Not observed in large population cohorts (Lek et al., 2016); In silico analysis, which includes protein predictors and evolutionary conservation, supports a deleterious effect

NM_139027.6(ADAMTS13):c.1519C>T (p.Arg507Trp)

Gene: ADAMTS13 (ADAM metallopeptidase with thrombospondin type 1 motif 13; plus strand). Cytogenetic location: 9q34.2.
Variant type: single nucleotide variant.
Coding change: c.1519C>T on transcript NM_139027.6 (MANE Select); coding-DNA position 1519, C replaced by T.
Protein change: p.Arg507Trp; replaces arginine 507 with tryptophan.
Molecular consequence: missense variant.
Genome position (GRCh38, 1-based): chr9:133,437,832, C>T. VCF-style: chr9-133437832-C-T. GRCh37 (hg19) VCF-style: chr9-136302952-C-T.
Other names: c.1519C>T (NM_139025.4); c.1519C>T, p.Arg507Trp (NM_139025.5); c.1426C>T, p.Arg476Trp (NM_139026.6); short protein forms R476W, R507W.
Identifiers: ClinVar variation 1304565 (VCV001304565.3), dbSNP rs909831139, ClinGen allele CA200930315.